The following is an entry in ClinVar:

NM_033409.4(SLC52A3):c.1306G>A (p.Val436Met)

Gene: SLC52A3 (solute carrier family 52 member 3; minus strand). Cytogenetic location: 20p13.
Variant type: single nucleotide variant.
Coding change: c.1306G>A on transcript NM_033409.4 (MANE Select); coding-DNA position 1306, G replaced by A.
Protein change: p.Val436Met; replaces valine 436 with methionine.
Molecular consequence: missense variant.
Genome position (GRCh38, 1-based): chr20:761,130, C>T on the plus strand (G>A on the coding strand, the complement: SLC52A3 is on the minus strand). VCF-style: chr20-761130-C-T. GRCh37 (hg19) VCF-style: chr20-741774-C-T.
Other names: c.1306G>A, p.Val436Met (NM_001370085.1, NM_001370086.1); short protein forms V436M.
Identifiers: ClinVar variation 1515782 (VCV001515782.6), dbSNP rs2122505768, ClinGen allele CA407961908.

ClinVar aggregate classification (germline): Uncertain significance (1 of 4 stars; one submission).

Conditions:
Brown-Vialetto-van Laere syndrome 1. Also called: BROWN-VIALETTO-VAN LAERE SYNDROME 1, MILD; BULBAR PALSY, PROGRESSIVE, WITH SENSORINEURAL DEAFNESS; PONTOBULBAR PALSY WITH DEAFNESS. Identifiers: Orphanet 572550, Orphanet 97229, MedGen C0796274, MONDO:0024537, OMIM 211530.

Submission:

Labcorp Genetics (formerly Invitae), Labcorp
Classification: Uncertain significance for Brown-Vialetto-van Laere syndrome 1. Last evaluated: 2021-08-07. Review status: criteria provided, single submitter. Criteria: Invitae Variant Classification Sherloc (09022015). Collection method: clinical testing. Allele origin: germline.
Comment: In summary, the available evidence is currently insufficient to determine the role of this variant in disease. Therefore, it has been classified as a Variant of Uncertain Significance. This sequence change replaces valine with methionine at codon 436 of the SLC52A3 protein (p.Val436Met). The valine residue is moderately conserved and there is a small physicochemical difference between valine and methionine. This variant is not present in population databases (ExAC no frequency). This variant has not been reported in the literature in individuals affected with SLC52A3-related conditions. Algorithms developed to predict the effect of missense changes on protein structure and function are either unavailable or do not agree on the potential impact of this missense change (SIFT: "Deleterious"; PolyPhen-2: "Benign"; Align-GVGD: "Class C0").